The following is an entry in ClinVar:

NM_001013736.3(FAM47C):c.2526T>C (p.Ser842=)

Gene: FAM47C (family with sequence similarity 47 member C; plus strand). Cytogenetic location: Xp21.1.
Variant type: single nucleotide variant.
Coding change: c.2526T>C on transcript NM_001013736.3 (MANE Select); coding-DNA position 2526, T replaced by C.
Protein change: p.Ser842=; no amino-acid change (serine 842 retained).
Molecular consequence: synonymous variant.
Genome position (GRCh38, 1-based): chrX:37,010,936, T>C. VCF-style: chrX-37010936-T-C. GRCh37 (hg19) VCF-style: chrX-37029009-T-C.
Identifiers: ClinVar variation 2660276 (VCV002660276.24), dbSNP rs1556333247, ClinGen allele CA515959153.

ClinVar aggregate classification (germline): Likely benign (1 of 4 stars; one submission).

Submission:

CeGaT Center for Human Genetics Tuebingen
Classification: Likely benign. Last evaluated: 2022-10-01. Review status: criteria provided, single submitter. Criteria: CeGaT Center For Human Genetics Tuebingen Variant Classification Criteria Version 2. Collection method: clinical testing. Allele origin: germline. Affected: yes. Observed: 1 variant allele.
Comment: FAM47C: BP4, BP7